The following is an entry in ClinVar:

ClinVar aggregate classification (germline): Uncertain significance (1 of 4 stars; one submission).

Conditions:
Charcot-Marie-Tooth disease type 2. Also called: Charcot-Marie-Tooth type 2. Identifiers: Orphanet 64746, MedGen C0270914, MONDO:0018993.

Allele frequency attached by ClinVar (database versions not stated): gnomAD exomes 0.00003; TOPMed 0.00005; gnomAD 0.00006; ExAC 0.00007.
gnomAD v4.1: 78 of 1,610,464 alleles (0.0048%); highest among the groups gnomAD compares: Non-Finnish European, 0.0063%; no homozygotes.

Submission:

Labcorp Genetics (formerly Invitae), Labcorp
Classification: Uncertain significance for Charcot-Marie-Tooth disease type 2. Last evaluated: 2022-06-07. Review status: criteria provided, single submitter. Criteria: Invitae Variant Classification Sherloc (09022015). Collection method: clinical testing. Allele origin: germline.
Comment: This sequence change replaces proline, which is neutral and non-polar, with serine, which is neutral and polar, at codon 588 of the MED25 protein (p.Pro588Ser). This variant is present in population databases (rs777358313, gnomAD 0.007%). This variant has not been reported in the literature in individuals affected with MED25-related conditions. ClinVar contains an entry for this variant (Variation ID: 841547). Algorithms developed to predict the effect of missense changes on protein structure and function are either unavailable or do not agree on the potential impact of this missense change (SIFT: "Tolerated"; PolyPhen-2: "Possibly Damaging"; Align-GVGD: "Class C0"). In summary, the available evidence is currently insufficient to determine the role of this variant in disease. Therefore, it has been classified as a Variant of Uncertain Significance.

NM_030973.4(MED25):c.1762C>T (p.Pro588Ser)

Gene: MED25 (mediator complex subunit 25; plus strand). Cytogenetic location: 19q13.33.
Variant type: single nucleotide variant.
Coding change: c.1762C>T on transcript NM_030973.4 (MANE Select); coding-DNA position 1762, C replaced by T.
Protein change: p.Pro588Ser; replaces proline 588 with serine.
Molecular consequence: missense variant.
Genome position (GRCh38, 1-based): chr19:49,835,742, C>T. VCF-style: chr19-49835742-C-T. GRCh37 (hg19) VCF-style: chr19-50338999-C-T.
Other names: c.1762C>T, p.Pro588Ser (NM_001378355.1); short protein forms P588S.
Identifiers: ClinVar variation 841547 (VCV000841547.5), dbSNP rs777358313, ClinGen allele CA9585371.
Genomic context (GRCh38, chr19:49,835,742, plus strand): 5'-TGAGGCCCTGCCCATCTCCCTCACCCCTGTGTCTCTTCCCACCAGCTCCAGCTCCGCCCA[C>T]CGCAGCCCCAGCCTCAGGGTACCGTAGGGGCCTCTGGGGCCACGGGGCAGCCCCAGCCCC-3'
Protein context (NP_112235.2, residues 578-598): PSQNLLQLRP[Pro588Ser]QPQPQGTVGA